The following is an entry in ClinVar:

ClinVar aggregate classification (germline): Benign. Review status: criteria provided, single submitter (1 of 4 stars). 2 submissions from 2 submitters: Benign (1). 1 of the submissions does not count toward it. Last evaluated 2017-12-29.

Conditions:
SOX5-related disorder. Also called: SOX5-related condition.

Allele frequency attached by ClinVar (database versions not stated): gnomAD 0.00024 and 0.00004; 1000 Genomes Project 30x 0.00062; TOPMed 0.00010; 1000 Genomes Project 0.00080.
gnomAD v4.1: 695 of 1,588,146 alleles (0.044%); highest among the groups gnomAD compares: South Asian, 0.73%; 9 homozygotes.

Submissions (2):

Labcorp Genetics (formerly Invitae), Labcorp
Classification: Benign. Last evaluated: 2017-12-29. Review status: criteria provided, single submitter. Criteria: Invitae Variant Classification Sherloc (09022015). Collection method: clinical testing. Allele origin: germline.

PreventionGenetics, part of Exact Sciences
Classification: Likely benign for SOX5-related condition. Last evaluated: 2024-01-29. Review status: no assertion criteria provided. Collection method: clinical testing. Allele origin: germline. Not counted in ClinVar's aggregate classification.
Comment: This variant is classified as likely benign based on ACMG/AMP sequence variant interpretation guidelines (Richards et al. 2015 PMID: 25741868, with internal and published modifications).

NM_006940.6(SOX5):c.558C>T (p.Gly186=)

Gene: SOX5 (SRY-box transcription factor 5; minus strand). Cytogenetic location: 12p12.1.
Variant type: single nucleotide variant.
Coding change: c.558C>T on transcript NM_006940.6 (MANE Select); coding-DNA position 558, C replaced by T.
Protein change: p.Gly186=; no amino-acid change (glycine 186 retained).
Molecular consequence: synonymous variant.
Genome position (GRCh38, 1-based): chr12:23,755,648, G>A on the plus strand (C>T on the coding strand, the complement: SOX5 is on the minus strand). VCF-style: chr12-23755648-G-A. GRCh37 (hg19) VCF-style: chr12-23908582-G-A.
Other names: c.519C>T, p.Gly173= (NM_001261414.3, NM_152989.5); c.528C>T, p.Gly176= (NM_001261415.3); c.453C>T, p.Gly151= (NM_001330785.2).
Identifiers: ClinVar variation 722200 (VCV000722200.5), dbSNP rs200177288, ClinGen allele CA6484338.
Genomic context (GRCh38, chr12:23,755,648, plus strand): 5'-ATCAACTTCATTTTGGTACATTTTGGATAAAAACAATCACACCATATTACCTTTTATTTC[G>A]CCAAAGTTCCCCGATCCCATTGCAAGAAGCTTGTCTTTCCAGTCCTTTGAGAGTAGTTTT-3'
Protein context (NP_008871.3, residues 176-196): KLLAMGSGNF[Gly186=]EIKGTPESLA